The following is an entry in ClinVar:

ClinVar aggregate classification (germline): Benign. Review status: criteria provided, single submitter (1 of 4 stars). 2 submissions from 2 submitters: Benign (1). 1 of the submissions does not count toward it. Last evaluated 2024-08-14.

Conditions:
Rubinstein-Taybi syndrome (RSTS). Identifiers: Orphanet 783, MedGen C0035934, MONDO:0019188.
CREBBP-related disorder. Also called: CREBBP-related disorders; CREBBP-related condition.

Allele frequency attached by ClinVar (database versions not stated): gnomAD 0.00001; TOPMed 0.00001; ExAC 0.00002.
gnomAD v4.1: 12 of 1,614,016 alleles (0.00074%); highest among the groups gnomAD compares: Admixed American, 0.018%; no homozygotes.

Submissions (2):

Labcorp Genetics (formerly Invitae), Labcorp
Classification: Benign for Rubinstein-Taybi syndrome. Last evaluated: 2024-08-14. Review status: criteria provided, single submitter. Criteria: Invitae Variant Classification Sherloc (09022015). Collection method: clinical testing. Allele origin: germline.

PreventionGenetics, part of Exact Sciences
Classification: Uncertain significance for CREBBP-related condition. Last evaluated: 2024-07-03. Review status: no assertion criteria provided. Collection method: clinical testing. Allele origin: germline. Not counted in ClinVar's aggregate classification.
Comment: The CREBBP c.3008C>G variant is predicted to result in the amino acid substitution p.Ala1003Gly. To our knowledge, this variant has not been reported in the literature. This variant is reported in 0.028% of alleles in individuals of Latino descent in gnomAD, which may be too common to be a primary cause of disease. Although we suspect that this variant may be benign, at this time, the clinical significance of this variant is uncertain due to the absence of conclusive functional and genetic evidence.

NM_004380.3(CREBBP):c.3008C>G (p.Ala1003Gly)

Gene: CREBBP (CREB binding lysine acetyltransferase; minus strand). Cytogenetic location: 16p13.3.
Variant type: single nucleotide variant.
Coding change: c.3008C>G on transcript NM_004380.3 (MANE Select); coding-DNA position 3008, C replaced by G.
Protein change: p.Ala1003Gly; replaces alanine 1003 with glycine.
Molecular consequence: missense variant.
Genome position (GRCh38, 1-based): chr16:3,769,226, G>C on the plus strand (C>G on the coding strand, the complement: CREBBP is on the minus strand). VCF-style: chr16-3769226-G-C. GRCh37 (hg19) VCF-style: chr16-3819227-G-C.
Other names: c.2894C>G, p.Ala965Gly (NM_001079846.1); c.3008C>G (NM_004380.2); short protein forms A965G, A1003G.
Identifiers: ClinVar variation 2043585 (VCV002043585.6), dbSNP rs768232855, ClinGen allele CA7869970.